The following is an entry in ClinVar:

NM_004393.6(DAG1):c.1101G>A (p.Thr367=)

Gene: DAG1 (dystroglycan 1; plus strand). Cytogenetic location: 3p21.31.
Variant type: single nucleotide variant.
Coding change: c.1101G>A on transcript NM_004393.6 (MANE Select); coding-DNA position 1101, G replaced by A.
Protein change: p.Thr367=; no amino-acid change (threonine 367 retained).
Molecular consequence: synonymous variant.
Genome position (GRCh38, 1-based): chr3:49,531,612, G>A. VCF-style: chr3-49531612-G-A. GRCh37 (hg19) VCF-style: chr3-49569045-G-A.
Other names: c.1101G>A, p.Thr367= (NM_001165928.4, NM_001177634.3, NM_001177635.3 and 9 more transcripts); c.1101G>A (NM_001165928.3).
Identifiers: ClinVar variation 1055881 (VCV001055881.6), dbSNP rs142406476, ClinGen allele CA2399013.

ClinVar aggregate classification (germline): Likely benign. Review status: criteria provided, multiple submitters, no conflicts (2 of 4 stars). 2 submissions from 2 submitters: Likely benign (2). Last evaluated 2025-10-06.

Conditions:
DAG1-related disorder. Also called: DAG1-related condition.
Autosomal recessive limb-girdle muscular dystrophy type 2P. Also called: MUSCULAR DYSTROPHY-DYSTROGLYCANOPATHY, LIMB-GIRDLE, DAG1-RELATED; Limb-Girdle Muscular Dystrophy Type 9C; MUSCULAR DYSTROPHY, LIMB-GIRDLE, TYPE 2P. Identifiers: Orphanet 280333, MedGen C4511963, MONDO:0013440, OMIM 613818.
Muscular dystrophy-dystroglycanopathy (congenital with brain and eye anomalies), type A9. Also called: WALKER-WARBURG SYNDROME OR MUSCLE-EYE BRAIN DISEASE, DAG1-RELATED; Muscular dystrophy-dystroglycanopathy (congenital with brain and eye anomalies), type a, 9. Identifiers: Orphanet 370997, Orphanet 899, MedGen C4225291, MONDO:0014683, OMIM 616538.

Allele frequency attached by ClinVar (database versions not stated): gnomAD exomes 0.00001 and 0.00002; ExAC 0.00003; TOPMed 0.00005; gnomAD 0.00006; ESP Exome Variant Server 0.00023.
gnomAD v4.1: 17 of 1,612,680 alleles (0.0011%); highest among the groups gnomAD compares: African/African-American, 0.017%; no homozygotes.

Submissions (2):

Labcorp Genetics (formerly Invitae), Labcorp
Classification: Likely benign for Autosomal recessive limb-girdle muscular dystrophy type 2P; Muscular dystrophy-dystroglycanopathy (congenital with brain and eye anomalies), type A9. Last evaluated: 2025-10-06. Review status: criteria provided, single submitter. Criteria: Invitae Variant Classification Sherloc (09022015). Collection method: clinical testing. Allele origin: germline.

PreventionGenetics, part of Exact Sciences
Classification: Likely benign for DAG1-related condition. Last evaluated: 2025-05-31. Review status: criteria provided, single submitter. Criteria: ACMG Guidelines, 2015. Collection method: clinical testing. Allele origin: germline.
Comment: This variant is classified as likely benign based on ACMG/AMP sequence variant interpretation guidelines (Richards et al. 2015 PMID: 25741868, with internal and published modifications).